The following is an entry in ClinVar:

ClinVar aggregate classification (germline): Likely benign. Review status: criteria provided, multiple submitters, no conflicts (2 of 4 stars). 3 submissions from 3 submitters: Likely benign (2). 1 of the submissions does not count toward it. Last evaluated 2025-10-30.

Conditions:
Brachyolmia-amelogenesis imperfecta syndrome. Also called: Tooth agenesis, selective, 6; Dental anomalies and short stature; PLATYSPONDYLY WITH AMELOGENESIS IMPERFECTA. Identifiers: Orphanet 2899, MedGen C1832594, MONDO:0011018, OMIM 601216. Disease mechanism: loss of function.
LTBP3-related disorder. Also called: LTBP3-related condition.
Inborn genetic diseases. Identifiers: MedGen C0950123, MeSH D030342.

Allele frequency attached by ClinVar (database versions not stated): gnomAD exomes 0.00007 and 0.00016; ExAC 0.00022; gnomAD 0.00054 and 0.00057; TOPMed 0.00063; ESP Exome Variant Server 0.00085; 1000 Genomes Project 30x 0.00109; 1000 Genomes Project 0.00120.
gnomAD v4.1: 175 of 1,613,820 alleles (0.011%); highest among the groups gnomAD compares: African/African-American, 0.22%; no homozygotes.

Submissions (3):

Labcorp Genetics (formerly Invitae), Labcorp
Classification: Likely benign for Brachyolmia-amelogenesis imperfecta syndrome. Last evaluated: 2025-10-30. Review status: criteria provided, single submitter. Criteria: Invitae Variant Classification Sherloc (09022015). Collection method: clinical testing. Allele origin: germline.

Ambry Genetics
Classification: Likely benign for Inborn genetic diseases. Last evaluated: 2022-04-19. Review status: criteria provided, single submitter. Criteria: Ambry Variant Classification Scheme 2023. Collection method: clinical testing. Allele origin: germline.

PreventionGenetics, part of Exact Sciences
Classification: Likely benign for LTBP3-related condition. Last evaluated: 2024-05-08. Review status: no assertion criteria provided. Collection method: clinical testing. Allele origin: germline. Not counted in ClinVar's aggregate classification.
Comment: This variant is classified as likely benign based on ACMG/AMP sequence variant interpretation guidelines (Richards et al. 2015 PMID: 25741868, with internal and published modifications).

NM_001130144.3(LTBP3):c.2817G>A (p.Gln939=)

Gene: LTBP3 (latent transforming growth factor beta binding protein 3; minus strand). Cytogenetic location: 11q13.1.
Variant type: single nucleotide variant.
Coding change: c.2817G>A on transcript NM_001130144.3 (MANE Select); coding-DNA position 2817, G replaced by A.
Protein change: p.Gln939=; no amino-acid change (glutamine 939 retained).
Molecular consequence: synonymous variant.
Genome position (GRCh38, 1-based): chr11:65,541,202, C>T on the plus strand (G>A on the coding strand, the complement: LTBP3 is on the minus strand). VCF-style: chr11-65541202-C-T. GRCh37 (hg19) VCF-style: chr11-65308673-C-T.
Other names: c.2466G>A, p.Gln822= (NM_001164266.1); c.2817G>A, p.Gln939= (NM_021070.4).
Identifiers: ClinVar variation 1584429 (VCV001584429.11), dbSNP rs150810114, ClinGen allele CA6100474.